The following is an entry in ClinVar:

ClinVar aggregate classification (germline): Uncertain significance (1 of 4 stars; one submission).

Submission:

GeneDx
Classification: Uncertain significance. Last evaluated: 2023-11-07. Review status: criteria provided, single submitter. Criteria: GeneDx Variant Classification Process June 2021. Collection method: clinical testing. Allele origin: germline. Affected: yes.
Comment: Not observed at significant frequency in large population cohorts (gnomAD); In silico analysis supports that this missense variant has a deleterious effect on protein structure/function; Has not been previously published as pathogenic or benign to our knowledge

NM_002474.3(MYH11):c.4586A>G (p.Glu1529Gly)

Genes: MYH11 (myosin heavy chain 11; minus strand), NDE1 (nudE neurodevelopment protein 1; plus strand). Cytogenetic location: 16p13.11.
Variant type: single nucleotide variant.
Coding change: c.4586A>G on transcript NM_002474.3 (MANE Select); coding-DNA position 4586, A replaced by G.
Protein change: p.Glu1529Gly; replaces glutamic acid 1529 with glycine.
Molecular consequence: missense variant. On other transcripts: intron variant (2).
Genome position (GRCh38, 1-based): chr16:15,721,044, T>C on the plus strand (A>G on the coding strand, the complement: MYH11 is on the minus strand). VCF-style: chr16-15721044-T-C. GRCh37 (hg19) VCF-style: chr16-15814901-T-C.
Other names: c.4607A>G, p.Glu1536Gly (NM_001040113.2, NM_001040114.2); c.4586A>G, p.Glu1529Gly (NM_022844.3); c.948-3147T>C (NM_001143979.2, NM_017668.3); short protein forms E1529G, E1536G.
Identifiers: ClinVar variation 3253204 (VCV003253204.1), dbSNP rs2506121646.